The following is an entry in ClinVar:

NM_000059.4(BRCA2):c.3976G>T (p.Ala1326Ser)

Gene: BRCA2 (BRCA2 DNA repair associated; plus strand). Cytogenetic location: 13q13.1.
Variant type: single nucleotide variant.
Coding change: c.3976G>T on transcript NM_000059.4 (MANE Select); coding-DNA position 3976, G replaced by T.
Protein change: p.Ala1326Ser; replaces alanine 1326 with serine.
Molecular consequence: missense variant. On other transcripts: non-coding transcript variant (1), intron variant (2).
Genome position (GRCh38, 1-based): chr13:32,338,331, G>T. VCF-style: chr13-32338331-G-T. GRCh37 (hg19) VCF-style: chr13-32912468-G-T.
Other names: c.3976G>T, p.Ala1326Ser (NM_001406719.1, NM_001406720.1, NM_001432077.1); c.1909+4944G>T (NM_001406721.1); c.425-6227G>T (NM_001406722.1); short protein forms A1326S.
Identifiers: ClinVar variation 4867799 (VCV004867799.1).
Genomic context (GRCh38, chr13:32,338,331, plus strand): 5'-GTTGAAGAAATTACTGAAAATTACAAGAGAAATACTGAAAATGAAGATAACAAATATACT[G>T]CTGCCAGTAGAAATTCTCATAACTTAGAATTTGATGGCAGTGATTCAAGTAAAAATGATA-3'
Protein context (NP_000050.3, residues 1316-1336): NTENEDNKYT[Ala1326Ser]ASRNSHNLEF

ClinVar aggregate classification (germline): Uncertain significance (1 of 4 stars; one submission).

Conditions:
Hereditary cancer-predisposing syndrome. Also called: Neoplastic Syndromes, Hereditary; Tumor predisposition; Hereditary Cancer Syndrome; Hereditary neoplastic syndrome. Identifiers: Orphanet 140162, MedGen C0027672, MeSH D009386, MONDO:0015356.

Submission:

Ambry Genetics
Classification: Uncertain significance for Hereditary cancer-predisposing syndrome. Last evaluated: 2026-03-30. Review status: criteria provided, single submitter. Criteria: Ambry Variant Classification Scheme 2023. Collection method: clinical testing. Allele origin: germline.
Comment: The p.A1326S variant (also known as c.3976G>T), located in coding exon 10 of the BRCA2 gene, results from a G to T substitution at nucleotide position 3976. The alanine at codon 1326 is replaced by serine, an amino acid with similar properties. This amino acid position is conserved. In addition, this alteration is predicted to be tolerated by in silico analysis. Based on the available evidence, the clinical significance of this variant remains unclear.